The following is an entry in ClinVar:

NM_032043.3(BRIP1):c.1341-20del

Gene: BRIP1 (BRCA1 interacting DNA helicase 1; minus strand). Cytogenetic location: 17q23.2.
Variant type: Deletion.
Coding change: c.1341-20del on transcript NM_032043.3 (MANE Select); 20 bases into the intron before coding-DNA position 1341, one base deleted (A; older notation c.1341-20delA).
Molecular consequence: intron variant.
Genome position (GRCh38, 1-based): chr17:61,793,749, T deleted on the plus strand (A on the coding strand, the reverse complement: BRIP1 is on the minus strand); the first of 2 consecutive T bases (chr17:61,793,749-61,793,750); deleting either gives the same sequence. VCF-style (leftmost placement, unchanged base first): chr17-61793748-AT-A. GRCh37 (hg19) VCF-style: chr17-59871109-AT-A.
Identifiers: ClinVar variation 1615026 (VCV001615026.10), dbSNP rs2145245949, ClinGen allele CA2573154352.

ClinVar aggregate classification (germline): Benign/Likely benign. Review status: criteria provided, multiple submitters, no conflicts (2 of 4 stars). 2 submissions from 2 submitters: Benign (1); Likely benign (1). Last evaluated 2024-08-27.

Conditions:
Familial cancer of breast. Also called: BREAST CANCER, FAMILIAL; Hereditary breast cancer; hereditary breast carcinoma. Identifiers: Orphanet 227535, MedGen C0346153, MONDO:0016419, OMIM 114480. Disease mechanism: loss of function.
Fanconi anemia complementation group J. Also called: BRIP1-Related Fanconi Anemia. Identifiers: Orphanet 84, MedGen C1836860, MONDO:0012187, OMIM 609054.

Submissions (2):

Myriad Genetics, Inc.
Classification: Benign for Familial cancer of breast. Last evaluated: 2024-08-27. Review status: criteria provided, single submitter. Criteria: Myriad Autosomal Dominant, Autosomal Recessive and X-Linked Classification Criteria (2023). Collection method: clinical testing. Allele origin: unknown.
Comment: This variant is considered benign. This variant is intronic and is not expected to impact mRNA splicing.

Labcorp Genetics (formerly Invitae), Labcorp
Classification: Likely benign for Familial cancer of breast; Fanconi anemia complementation group J. Last evaluated: 2021-11-03. Review status: criteria provided, single submitter. Criteria: Invitae Variant Classification Sherloc (09022015). Collection method: clinical testing. Allele origin: germline.